The following is an entry in ClinVar:

NM_001378969.1(KCND3):c.1741A>T (p.Ser581Cys)

Gene: KCND3 (potassium voltage-gated channel subfamily D member 3; minus strand). Cytogenetic location: 1p13.2.
Variant type: single nucleotide variant.
Coding change: c.1741A>T on transcript NM_001378969.1 (MANE Select); coding-DNA position 1741, A replaced by T.
Protein change: p.Ser581Cys; replaces serine 581 with cysteine.
Molecular consequence: missense variant.
Genome position (GRCh38, 1-based): chr1:111,777,051, T>A on the plus strand (A>T on the coding strand, the complement: KCND3 is on the minus strand). VCF-style: chr1-111777051-T-A. GRCh37 (hg19) VCF-style: chr1-112319673-T-A.
Other names: c.1684A>T, p.Ser562Cys (NM_001378970.1, NM_172198.3); c.1741A>T, p.Ser581Cys (NM_004980.5); short protein forms S581C, S562C.
Identifiers: ClinVar variation 577665 (VCV000577665.8), dbSNP rs1420542041, ClinGen allele CA341656414.

ClinVar aggregate classification (germline): Uncertain significance (1 of 4 stars; one submission).

Conditions:
Spinocerebellar ataxia type 19/22 (SCA19). Also called: SPINOCEREBELLAR ATAXIA 19; SPINOCEREBELLAR ATAXIA 22. Identifiers: Orphanet 98772, MedGen C1846367, MONDO:0011819, OMIM 607346.

Allele frequency attached by ClinVar (database versions not stated): TOPMed below 0.00001.

Submission:

Labcorp Genetics (formerly Invitae), Labcorp
Classification: Uncertain significance for Spinocerebellar ataxia type 19/22. Last evaluated: 2018-04-10. Review status: criteria provided, single submitter. Criteria: Invitae Variant Classification Sherloc (09022015). Collection method: clinical testing. Allele origin: germline.
Comment: In summary, the available evidence is currently insufficient to determine the role of this variant in disease. Therefore, it has been classified as a Variant of Uncertain Significance. Algorithms developed to predict the effect of missense changes on protein structure and function do not agree on the potential impact of this missense change (SIFT: "Tolerated"; PolyPhen-2: "Possibly Damaging"; Align-GVGD: "Class C0"). This variant has not been reported in the literature in individuals with KCND3-related disease. This variant is not present in population databases (ExAC no frequency). This sequence change replaces serine with cysteine at codon 581 of the KCND3 protein (p.Ser581Cys). The serine residue is moderately conserved and there is a moderate physicochemical difference between serine and cysteine.